The following is an entry in ClinVar:

NM_032634.4(PIGO):c.205C>T (p.Arg69Trp)

Gene: PIGO (phosphatidylinositol glycan anchor biosynthesis class O; minus strand). Cytogenetic location: 9p13.3.
Variant type: single nucleotide variant.
Coding change: c.205C>T on transcript NM_032634.4 (MANE Select); coding-DNA position 205, C replaced by T.
Protein change: p.Arg69Trp; replaces arginine 69 with tryptophan.
Molecular consequence: missense variant.
Genome position (GRCh38, 1-based): chr9:35,095,361, G>A on the plus strand (C>T on the coding strand, the complement: PIGO is on the minus strand). VCF-style: chr9-35095361-G-A. GRCh37 (hg19) VCF-style: chr9-35095358-G-A.
Other names: c.205C>T, p.Arg69Trp (NM_001201484.2, NM_152850.4); short protein forms R69W.
Identifiers: ClinVar variation 450094 (VCV000450094.2), dbSNP rs1554673800, ClinGen allele CA373324761.

ClinVar aggregate classification (germline): Uncertain significance (1 of 4 stars; one submission).

Allele frequency attached by ClinVar (database versions not stated): gnomAD exomes 0.00001; gnomAD 0.00001.

Submission:

GeneDx
Classification: Uncertain significance. Last evaluated: 2017-06-22. Review status: criteria provided, single submitter. Criteria: GeneDx Variant Classification (06012015). Collection method: clinical testing. Allele origin: germline. Affected: yes.
Comment: A variant of uncertain significance has been identified in the PIGO gene. The R69W variant has not been published as a pathogenic variant, nor has it been reported as a benign variant to our knowledge. The R69W variant is not observed in large population cohorts (Lek et al., 2016; 1000 Genomes Consortium et al., 2015; Exome Variant Server). The R69W variant is a non-conservative amino acid substitution, which is likely to impact secondary protein structure as these residues differ in polarity, charge, size and/or other properties. In silico analysis predicts this variant is probably damaging to the protein structure/function. However, this substitution occurs at a position where amino acids with similar properties to Arginine are tolerated across species. Therefore, based on the currently available information, it is unclear whether this variant is a pathogenic variant or a rare benign variant.